The following is an entry in ClinVar:

NM_203446.3(SYNJ1):c.2125C>G (p.Arg709Gly)

Gene: SYNJ1 (synaptojanin 1; minus strand). Cytogenetic location: 21q22.11.
Variant type: single nucleotide variant.
Coding change: c.2125C>G on transcript NM_203446.3 (MANE Select); coding-DNA position 2125, C replaced by G.
Protein change: p.Arg709Gly; replaces arginine 709 with glycine.
Molecular consequence: missense variant.
Genome position (GRCh38, 1-based): chr21:32,665,963, G>C on the plus strand (C>G on the coding strand, the complement: SYNJ1 is on the minus strand). VCF-style: chr21-32665963-G-C. GRCh37 (hg19) VCF-style: chr21-34038273-G-C.
Other names: c.2125C>G, p.Arg709Gly (NM_001160302.2); c.2110C>G, p.Arg704Gly (NM_001160306.2); c.2242C>G, p.Arg748Gly (NM_003895.4); short protein forms R704G, R709G, R748G.
Identifiers: ClinVar variation 1022461 (VCV001022461.9), dbSNP rs2040913777, ClinGen allele CA410079076.

ClinVar aggregate classification (germline): Uncertain significance (1 of 4 stars; one submission).

Conditions:
Developmental and epileptic encephalopathy, 53. Also called: Epileptic encephalopathy, early infantile, 53. Identifiers: MedGen C4479313, MONDO:0033362, OMIM 617389.
Early-onset Parkinson disease 20. Also called: PARKINSON DISEASE 20, AUTOSOMAL RECESSIVE EARLY-ONSET. Identifiers: Orphanet 391411, MedGen C3809824, MONDO:0014233, OMIM 615530.

Submission:

Labcorp Genetics (formerly Invitae), Labcorp
Classification: Uncertain significance for Developmental and epileptic encephalopathy, 53; Early-onset Parkinson disease 20. Last evaluated: 2022-07-25. Review status: criteria provided, single submitter. Criteria: Invitae Variant Classification Sherloc (09022015). Collection method: clinical testing. Allele origin: germline.
Comment: This sequence change replaces arginine, which is basic and polar, with glycine, which is neutral and non-polar, at codon 748 of the SYNJ1 protein (p.Arg748Gly). This variant is not present in population databases (gnomAD no frequency). This variant has not been reported in the literature in individuals affected with SYNJ1-related conditions. ClinVar contains an entry for this variant (Variation ID: 1022461). Algorithms developed to predict the effect of missense changes on protein structure and function are either unavailable or do not agree on the potential impact of this missense change (SIFT: "Deleterious"; PolyPhen-2: "Probably Damaging"; Align-GVGD: "Class C0"). In summary, the available evidence is currently insufficient to determine the role of this variant in disease. Therefore, it has been classified as a Variant of Uncertain Significance.